The following is an entry in ClinVar:

NM_001384140.1(PCDH15):c.823C>T (p.Arg275Cys)

Gene: PCDH15 (protocadherin related 15; minus strand). Cytogenetic location: 10q21.1.
Variant type: single nucleotide variant.
Coding change: c.823C>T on transcript NM_001384140.1 (MANE Select); coding-DNA position 823, C replaced by T.
Protein change: p.Arg275Cys; replaces arginine 275 with cysteine.
Molecular consequence: missense variant.
Genome position (GRCh38, 1-based): chr10:54,317,324, G>A on the plus strand (C>T on the coding strand, the complement: PCDH15 is on the minus strand). VCF-style: chr10-54317324-G-A. GRCh37 (hg19) VCF-style: chr10-56077084-G-A.
Other names: c.838C>T, p.Arg280Cys (NM_001142763.2, NM_001142769.4, NM_001142771.2); c.823C>T, p.Arg275Cys (NM_001142764.2, NM_001142765.2, NM_001142766.2 and 7 more transcripts); c.712C>T, p.Arg238Cys (NM_001142767.2); c.757C>T, p.Arg253Cys (NM_001142768.2, NM_001142773.2, NM_001354404.2); short protein forms R238C, R253C, R275C, R280C.
Identifiers: ClinVar variation 2418116 (VCV002418116.3), dbSNP rs1404293614, ClinGen allele CA376540861.
Genomic context (GRCh38, chr10:54,317,324, plus strand): 5'-TATTTACCGGAGTTCTCAACTCAGGTATGGCAGCTTGATAAGTGAGTGGACGGCAATCAC[G>A]AGTGTTTGGCACAAGGACACAAGGAAGAAACATTGGACCCAAGTCATCTCCATCCAGAAC-3'
Protein context (NP_001371069.1, residues 265-285): FLPCVLVPNT[Arg275Cys]DCRPLTYQAA

ClinVar aggregate classification (germline): Uncertain significance (1 of 4 stars; one submission).

Allele frequency attached by ClinVar (database versions not stated): gnomAD exomes 0.00001.
gnomAD v4.1: 8 of 1,613,938 alleles (0.0005%); highest among the groups gnomAD compares: South Asian, 0.0044%; 2 homozygotes.

Submission:

Labcorp Genetics (formerly Invitae), Labcorp
Classification: Uncertain significance. Last evaluated: 2021-12-06. Review status: criteria provided, single submitter. Criteria: Invitae Variant Classification Sherloc (09022015). Collection method: clinical testing. Allele origin: germline.
Comment: This sequence change replaces arginine, which is basic and polar, with cysteine, which is neutral and slightly polar, at codon 275 of the PCDH15 protein (p.Arg275Cys). This variant is present in population databases (no rsID available, gnomAD 0.003%). This variant has not been reported in the literature in individuals affected with PCDH15-related conditions. Algorithms developed to predict the effect of missense changes on protein structure and function are either unavailable or do not agree on the potential impact of this missense change (SIFT: "Deleterious"; PolyPhen-2: "Probably Damaging"; Align-GVGD: "Class C0"). In summary, the available evidence is currently insufficient to determine the role of this variant in disease. Therefore, it has been classified as a Variant of Uncertain Significance.